The following is an entry in ClinVar:

NM_025132.4(WDR19):c.1016A>G (p.Gln339Arg)

Gene: WDR19 (WD repeat domain 19; plus strand). Cytogenetic location: 4p14.
Variant type: single nucleotide variant.
Coding change: c.1016A>G on transcript NM_025132.4 (MANE Select); coding-DNA position 1016, A replaced by G.
Protein change: p.Gln339Arg; replaces glutamine 339 with arginine.
Molecular consequence: missense variant.
Genome position (GRCh38, 1-based): chr4:39,215,895, A>G. VCF-style: chr4-39215895-A-G. GRCh37 (hg19) VCF-style: chr4-39217515-A-G.
Other names: c.536A>G, p.Gln179Arg (NM_001317924.2); c.1016A>G (NM_025132.3); short protein forms Q179R, Q339R.
Identifiers: ClinVar variation 1345981 (VCV001345981.8), dbSNP rs773773910, ClinGen allele CA2891763.

ClinVar aggregate classification (germline): Uncertain significance. Review status: criteria provided, multiple submitters, no conflicts (2 of 4 stars). 3 submissions from 3 submitters: Uncertain significance (3). Last evaluated 2024-05-15.

Conditions:
Senior-Loken syndrome 8 (SLSN8). Identifiers: Orphanet 3156, MedGen C4225376, MONDO:0014579, OMIM 616307.
Asphyxiating thoracic dystrophy 5 (SRTD5). Also called: SHORT-RIB THORACIC DYSPLASIA 5 WITH OR WITHOUT POLYDACTYLY; SHORT-RIB THORACIC DYSPLASIA 5 WITHOUT POLYDACTYLY. Identifiers: Orphanet 474, MedGen C3280598, MONDO:0013717, OMIM 614376.
Nephronophthisis 13 (NPHP13). Identifiers: Orphanet 655, MedGen C3280612, MONDO:0013718, OMIM 614377.
Cranioectodermal dysplasia 4 (CED4). Identifiers: Orphanet 1515, MedGen C3280616, MONDO:0013719, OMIM 614378.
Spermatogenic failure 72 (SPGF72). Identifiers: MedGen C5676980, MONDO:0030809, OMIM 619867.
Inborn genetic diseases. Identifiers: MedGen C0950123, MeSH D030342.

Allele frequency attached by ClinVar (database versions not stated): gnomAD exomes 0.00002 and 0.00007; ExAC 0.00003; gnomAD 0.00003; TOPMed 0.00003.
gnomAD v4.1: 105 of 1,613,714 alleles (0.0065%); highest among the groups gnomAD compares: Non-Finnish European, 0.0086%; no homozygotes.

Submissions (3):

Ambry Genetics
Classification: Uncertain significance for Inborn genetic diseases. Last evaluated: 2024-05-15. Review status: criteria provided, single submitter. Criteria: Ambry Variant Classification Scheme 2023. Collection method: clinical testing. Allele origin: germline.

Fulgent Genetics
Classification: Uncertain significance for Asphyxiating thoracic dystrophy 5; Nephronophthisis 13; Cranioectodermal dysplasia 4; Senior-Loken syndrome 8; Spermatogenic failure 72. Last evaluated: 2022-03-18. Review status: criteria provided, single submitter. Criteria: ACMG Guidelines, 2015. Collection method: clinical testing. Allele origin: unknown.

Labcorp Genetics (formerly Invitae), Labcorp
Classification: Uncertain significance for Senior-Loken syndrome 8; Asphyxiating thoracic dystrophy 5. Last evaluated: 2021-07-24. Review status: criteria provided, single submitter. Criteria: Invitae Variant Classification Sherloc (09022015). Collection method: clinical testing. Allele origin: germline.
Comment: This variant has not been reported in the literature in individuals affected with WDR19-related conditions. In summary, the available evidence is currently insufficient to determine the role of this variant in disease. Therefore, it has been classified as a Variant of Uncertain Significance. Algorithms developed to predict the effect of missense changes on protein structure and function (SIFT, PolyPhen-2, Align-GVGD) all suggest that this variant is likely to be tolerated. This variant is present in population databases (rs773773910, ExAC 0.006%). This sequence change replaces glutamine with arginine at codon 339 of the WDR19 protein (p.Gln339Arg). The glutamine residue is highly conserved and there is a small physicochemical difference between glutamine and arginine.